The following is an entry in ClinVar:

NM_000218.3(KCNQ1):c.965C>G (p.Thr322Arg)

Gene: KCNQ1 (potassium voltage-gated channel subfamily Q member 1; plus strand). Cytogenetic location: 11p15.5.
Variant type: single nucleotide variant.
Coding change: c.965C>G on transcript NM_000218.3 (MANE Select); coding-DNA position 965, C replaced by G.
Protein change: p.Thr322Arg; replaces threonine 322 with arginine.
Molecular consequence: missense variant.
Genome position (GRCh38, 1-based): chr11:2,583,478, C>G. VCF-style: chr11-2583478-C-G. GRCh37 (hg19) VCF-style: chr11-2604708-C-G.
Other names: p.T322R:ACG>AGG; c.965C>G, p.Thr322Arg (NM_001406836.1); c.695C>G, p.Thr232Arg (NM_001406837.1); c.521C>G, p.Thr174Arg (NM_001406838.1); c.584C>G, p.Thr195Arg (NM_181798.2); short protein forms T195R, T322R, T232R, T174R.
Identifiers: ClinVar variation 200830 (VCV000200830.12), dbSNP rs199472755, ClinGen allele CA008952.

ClinVar aggregate classification (germline): Pathogenic/Likely pathogenic. Review status: criteria provided, multiple submitters, no conflicts (2 of 4 stars). 3 submissions from 3 submitters: Pathogenic (1); Likely pathogenic (2). Last evaluated 2025-11-18.

Conditions:
Cardiovascular phenotype. Identifiers: MedGen CN230736.
Long QT syndrome (LQTS). Identifiers: MedGen C0023976, MeSH D008133, MONDO:0002442. Disease mechanism: loss of function. Inheritance: Various modes of inheritance.

Submissions (3):

Labcorp Genetics (formerly Invitae), Labcorp
Classification: Likely pathogenic for Long QT syndrome. Last evaluated: 2025-11-18. Review status: criteria provided, single submitter. Criteria: Invitae Variant Classification Sherloc (09022015). Collection method: clinical testing. Allele origin: germline.
Comment: This sequence change replaces threonine, which is neutral and polar, with arginine, which is basic and polar, at codon 322 of the KCNQ1 protein (p.Thr322Arg). This variant is not present in population databases (gnomAD no frequency). This missense change has been observed in individual(s) with clinical features of long QT syndrome (PMID: 34505893; internal data). ClinVar contains an entry for this variant (Variation ID: 200830). Invitae Evidence Modeling of protein sequence and biophysical properties (such as structural, functional, and spatial information, amino acid conservation, physicochemical variation, residue mobility, and thermodynamic stability) indicates that this missense variant is expected to disrupt KCNQ1 protein function with a positive predictive value of 95%. This variant disrupts the p.Thr322 amino acid residue in KCNQ1. Other variant(s) that disrupt this residue have been determined to be pathogenic (PMID: 16414944, 17470695, 18400097, 19716085, 22949429, 23092362). This suggests that this residue is clinically significant, and that variants that disrupt this residue are likely to be disease-causing. In summary, the currently available evidence indicates that the variant is pathogenic, but additional data are needed to prove that conclusively. Therefore, this variant has been classified as Likely Pathogenic.

Ambry Genetics
Classification: Likely pathogenic for Cardiovascular phenotype. Last evaluated: 2025-02-04. Review status: criteria provided, single submitter. Criteria: Ambry Variant Classification Scheme 2023. Collection method: clinical testing. Allele origin: germline.
Comment: The p.T322R variant (also known as c.965C>G), located in coding exon 7 of the KCNQ1 gene, results from a C to G substitution at nucleotide position 965. The threonine at codon 322 is replaced by arginine, an amino acid with similar properties. This variant was reported in individual(s) with features consistent with long QT syndrome (Schwartz PJ et al. Eur Heart J. 2021 Dec;42(46):4743-4755; Ambry internal data). Based on internal structural analysis, this variant is predicted to be destabilizing (Long SB et al. Nature 2007;450(7168):376-82; Xu Yet al. Biophys. J. 2013;105(11):2461-73; Ambry internal data). This amino acid position is highly conserved in available vertebrate species. In addition, this alteration is predicted to be deleterious by in silico analysis. This variant is considered to be rare based on population cohorts in the Genome Aggregation Database (gnomAD). Based on the majority of available evidence to date, this variant is likely to be pathogenic.

GeneDx
Classification: Pathogenic. Last evaluated: 2013-05-17. Review status: criteria provided, single submitter. Criteria: GeneDx Variant Classification (06012015). Collection method: clinical testing. Allele origin: germline. Affected: yes.
Comment: p.Thr322Arg (ACG>AGG): c.965 C>G in exon 7 of the KCNQ1 gene (NM_000218.2). While the Thr322Arg mutation in the KCNQ1 gene has not been reported to our knowledge, mutations affecting this same residue (Thr322Ala, Thr322Met, Thr322Lys) have been reported in association with LQTS (Choi G et al., 2004; Napolitano C et al., 2005; Hedley P et al., 2009). Additionally, mutations in nearby residues (Pro320Ser, Pro320Ala, Pro320His, Gly325Trp, Gly325Arg, Gly325Glu) have been reported in association with LQTS, supporting the functional importance of this residue and this region of the protein. Thr322Arg results in a semi-conservative amino acid substitution of a neutral, polar Threonine with a positively charged Arginine at a position that is conserved across species. Furthermore, Thr322Arg was not observed in approximately 6,500 individuals of European and African American ancestry in the NHLBI Exome Sequencing Project, indicating it is not a common benign variant in these populations. Thr322Arg in the KCNQ1 gene has been observed in other unrelated individuals at GeneDx. The variant is found in LQT panel(s).

Literature cited by the submitters: PubMed 34505893 (cited by Labcorp Genetics (formerly Invitae), Labcorp and Ambry Genetics); PubMed 16414944 (cited by Labcorp Genetics (formerly Invitae), Labcorp); PubMed 17470695 (cited by Labcorp Genetics (formerly Invitae), Labcorp); PubMed 18400097 (cited by Labcorp Genetics (formerly Invitae), Labcorp); PubMed 19716085 (cited by Labcorp Genetics (formerly Invitae), Labcorp); PubMed 22949429 (cited by Labcorp Genetics (formerly Invitae), Labcorp); PubMed 23092362 (cited by Labcorp Genetics (formerly Invitae), Labcorp); PubMed 18004376 (cited by Ambry Genetics); PubMed 24314077 (cited by Ambry Genetics).